The following is an entry in ClinVar:

ClinVar aggregate classification (germline): Uncertain significance (0 of 4 stars; one submission).

Conditions:
CACNA1G-related disorder. Also called: CACNA1G-related disorders; CACNA1G-related condition.

Submission:

PreventionGenetics, part of Exact Sciences
Classification: Uncertain significance for CACNA1G-related condition. Last evaluated: 2024-03-19. Review status: no assertion criteria provided. Collection method: clinical testing. Allele origin: germline.
Comment: The CACNA1G c.103G>A variant is predicted to result in the amino acid substitution p.Gly35Arg. To our knowledge, this variant has not been reported in the literature or in a large population database, indicating this variant is rare. At this time, the clinical significance of this variant is uncertain due to the absence of conclusive functional and genetic evidence.

NM_018896.5(CACNA1G):c.103G>A (p.Gly35Arg)

Genes: CACNA1G (calcium voltage-gated channel subunit alpha1 G; plus strand), CACNA1G-AS1 (CACNA1G antisense RNA 1; minus strand). Cytogenetic location: 17q21.33.
Variant type: single nucleotide variant.
Coding change: c.103G>A on transcript NM_018896.5 (MANE Select); coding-DNA position 103, G replaced by A.
Protein change: p.Gly35Arg; replaces glycine 35 with arginine.
Molecular consequence: missense variant. On other transcripts: non-coding transcript variant (5).
Genome position (GRCh38, 1-based): chr17:50,561,562, G>A. VCF-style: chr17-50561562-G-A. GRCh37 (hg19) VCF-style: chr17-48638923-G-A.
Other names: c.103G>A, p.Gly35Arg (NM_001256324.2, NM_001256325.2, NM_001256326.2 and 24 more transcripts); short protein forms G35R.
Identifiers: ClinVar variation 3054884 (VCV003054884.2), dbSNP rs1275474414, ClinGen allele CA400221717.